The following is an entry in ClinVar:

NM_003091.4(SNRPB):c.*139C>T

Gene: SNRPB (small nuclear ribonucleoprotein polypeptides B and B1; minus strand). Cytogenetic location: 20p13.
Variant type: single nucleotide variant.
Coding change: c.*139C>T on transcript NM_003091.4 (MANE Select); 139 bases downstream of the stop codon, C replaced by T.
Molecular consequence: 3 prime UTR variant. On other transcripts: missense variant (1).
Genome position (GRCh38, 1-based): chr20:2,461,790, G>A on the plus strand (C>T on the coding strand, the complement: SNRPB is on the minus strand). VCF-style: chr20-2461790-G-A. GRCh37 (hg19) VCF-style: chr20-2442436-G-A.
Other names: c.689C>T, p.Pro230Leu (NM_198216.2); short protein forms P230L.
Identifiers: ClinVar variation 451716 (VCV000451716.3), dbSNP rs776317665, ClinGen allele CA9732324.

ClinVar aggregate classification (germline): Uncertain significance. Review status: criteria provided, multiple submitters, no conflicts (2 of 4 stars). 2 submissions from 2 submitters: Uncertain significance (2). Last evaluated 2024-07-01.

Allele frequency attached by ClinVar (database versions not stated): gnomAD exomes below 0.00001 and 0.00001; ExAC 0.00001; gnomAD 0.00001; TOPMed 0.00002.

Submissions (2):

Labcorp Genetics (formerly Invitae), Labcorp
Classification: Uncertain significance. Last evaluated: 2024-07-01. Review status: criteria provided, single submitter. Criteria: Invitae Variant Classification Sherloc (09022015). Collection method: clinical testing. Allele origin: germline.
Comment: This sequence change replaces proline, which is neutral and non-polar, with leucine, which is neutral and non-polar, at codon 230 of the SNRPB protein (p.Pro230Leu). This variant is present in population databases (rs776317665, gnomAD 0.007%). This variant has not been reported in the literature in individuals affected with SNRPB-related conditions. ClinVar contains an entry for this variant (Variation ID: 451716). Algorithms developed to predict the effect of missense changes on protein structure and function output the following: SIFT: "Not Available"; PolyPhen-2: "Not Available"; Align-GVGD: "Not Available". The leucine amino acid residue is found in multiple mammalian species, which suggests that this missense change does not adversely affect protein function. In summary, the available evidence is currently insufficient to determine the role of this variant in disease. Therefore, it has been classified as a Variant of Uncertain Significance.

GeneDx
Classification: Uncertain significance. Last evaluated: 2017-09-11. Review status: criteria provided, single submitter. Criteria: GeneDx Variant Classification (06012015). Collection method: clinical testing. Allele origin: germline. Affected: yes.
Comment: The P230L variant in the SNRPB gene has not been reported previously as a pathogenic variant, nor as a benign variant, to our knowledge. The P230L variant is observed in 1/10278 (0.0097%) alleles from individuals of African background, in the ExAC dataset (Lek et al., 2016). The P230L variant is a semi-conservative amino acid substitution, which may impact secondary protein structure as these residues differ in some properties. This substitution occurs at a position that is not conserved. In silico analysis predicts this variant is probably damaging to the protein structure/function. We interpret P230L as a variant of uncertain significance.